The following is an entry in ClinVar:

ClinVar aggregate classification (germline): Likely benign. Review status: criteria provided, single submitter (1 of 4 stars). 2 submissions from 2 submitters: Likely benign (1). 1 of the submissions does not count toward it. Last evaluated 2024-03-17.

Conditions:
PCNT-related disorder. Also called: PCNT-related condition.

Allele frequency attached by ClinVar (database versions not stated): gnomAD 0.00001; gnomAD exomes 0.00001; TOPMed 0.00001; ExAC 0.00002; 1000 Genomes Project 30x 0.00016; 1000 Genomes Project 0.00020.
gnomAD v4.1: 13 of 1,613,428 alleles (0.00081%); highest among the groups gnomAD compares: African/African-American, 0.0027%; no homozygotes.

Submissions (2):

Labcorp Genetics (formerly Invitae), Labcorp
Classification: Likely benign. Last evaluated: 2024-03-17. Review status: criteria provided, single submitter. Criteria: Invitae Variant Classification Sherloc (09022015). Collection method: clinical testing. Allele origin: germline.

PreventionGenetics, part of Exact Sciences
Classification: Likely benign for PCNT-related condition. Last evaluated: 2022-05-26. Review status: no assertion criteria provided. Collection method: clinical testing. Allele origin: germline. Not counted in ClinVar's aggregate classification.
Comment: This variant is classified as likely benign based on ACMG/AMP sequence variant interpretation guidelines (Richards et al. 2015 PMID: 25741868, with internal and published modifications).

NM_006031.6(PCNT):c.8337C>T (p.Cys2779=)

Gene: PCNT (pericentrin; plus strand). Cytogenetic location: 21q22.3.
Variant type: single nucleotide variant.
Coding change: c.8337C>T on transcript NM_006031.6 (MANE Select); coding-DNA position 8337, C replaced by T.
Protein change: p.Cys2779=; no amino-acid change (cysteine 2779 retained).
Molecular consequence: synonymous variant.
Genome position (GRCh38, 1-based): chr21:46,431,801, C>T. VCF-style: chr21-46431801-C-T. GRCh37 (hg19) VCF-style: chr21-47851715-C-T.
Other names: c.8337C>T (NM_006031.5); c.7983C>T, p.Cys2661= (NM_001315529.2).
Identifiers: ClinVar variation 2897856 (VCV002897856.5), dbSNP rs572339918, ClinGen allele CA10080946.